The following is an entry in ClinVar:

ClinVar aggregate classification (germline): Likely pathogenic (1 of 4 stars; one submission).

Conditions:
TCF4-related disorder. Also called: TCF4-related condition.

Submission:

Laboratorio de Biologia Molecular/Medicina Genomica - IFF/Fiocruz, Instituto Fernandes Figueira, Fundacao Oswaldo Cruz
Classification: Likely pathogenic for TCF4-related conditions. Last evaluated: 2025-09-02. Review status: criteria provided, single submitter. Criteria: ACMG Guidelines, 2015. Collection method: clinical testing. Allele origin: germline. Affected: yes. Observed: 1 variant allele.
Comment: Variant: c.1844_1845insTT (p.Ala616TrpfsTer16), in exon 18 of the TCF4 gene. Protein effect: Nonsense predicted to undergo NMD in a gene where LoF is a known mechanism of disease. Population database (gnomAD): Absent. ACMG/AMP criteria applied: PVS1, PM2_Supporting.

NM_001083962.2(TCF4):c.1844_1845insTT (p.Ala616fs)

Gene: TCF4 (transcription factor 4; minus strand). Cytogenetic location: 18q21.2.
Variant type: Insertion.
Coding change: c.1844_1845insTT on transcript NM_001083962.2 (MANE Select); coding-DNA positions 1844 to 1845, TT inserted.
Protein change: p.Ala616fs; shifts the reading frame from alanine 616.
Molecular consequence: frameshift variant.
Genome position: GRCh38 VCF-style: chr18-55228881-C-CAA. GRCh37 (hg19) VCF-style: chr18-52896112-C-CAA.
Other names: c.2150_2151insTT, p.Ala718fs (NM_001243226.3); c.1772_1773insTT, p.Ala592fs (NM_001243227.2, NM_001348217.1, NM_001348218.2 and 1 more transcripts); c.1862_1863insTT, p.Ala622fs (NM_001243228.2); c.1823_1824insTT, p.Ala609fs (NM_001243230.2); c.1706_1707insTT, p.Ala570fs (NM_001243231.2); c.1631_1632insTT, p.Ala545fs (NM_001243232.1); c.1442_1443insTT, p.Ala482fs (NM_001243233.2, NM_001348212.2); c.1364_1365insTT, p.Ala456fs (NM_001243234.2, NM_001348216.2); and 14 more; short protein forms A400fs, A451fs, A452fs, A456fs, A482fs, A486fs, A541fs, A545fs.
Identifiers: ClinVar variation 4795195 (VCV004795195.1).